The following is an entry in ClinVar:

NM_201253.3(CRB1):c.1474G>A (p.Gly492Ser)

Gene: CRB1 (crumbs cell polarity complex component 1; plus strand). Cytogenetic location: 1q31.3.
Variant type: single nucleotide variant.
Coding change: c.1474G>A on transcript NM_201253.3 (MANE Select); coding-DNA position 1474, G replaced by A.
Protein change: p.Gly492Ser; replaces glycine 492 with serine.
Molecular consequence: missense variant. On other transcripts: non-coding transcript variant (2).
Genome position (GRCh38, 1-based): chr1:197,421,302, G>A. VCF-style: chr1-197421302-G-A. GRCh37 (hg19) VCF-style: chr1-197390432-G-A.
Other names: c.1138G>A, p.Gly380Ser (NM_001193640.2); c.1267G>A, p.Gly423Ser (NM_001257965.2); c.1474G>A, p.Gly492Ser (NM_001257966.2); short protein forms G380S, G492S, G423S.
Identifiers: ClinVar variation 2046906 (VCV002046906.4), dbSNP rs2528106714, ClinGen allele CA344031070.

ClinVar aggregate classification (germline): Uncertain significance (1 of 4 stars; one submission).

Conditions:
Leber congenital amaurosis 8 (LCA8). Identifiers: Orphanet 65, MedGen C3151202, MONDO:0013453, OMIM 613835.
Retinitis pigmentosa 12 (RP12). Also called: RP WITH OR WITHOUT PPRPE; RP WITH OR WITHOUT PRESERVED PARAARTERIOLE RETINAL PIGMENT EPITHELIUM; RETINITIS PIGMENTOSA WITH OR WITHOUT PARAARTERIOLAR PRESERVATION OF RETINAL PIGMENT EPITHELIUM. Identifiers: Orphanet 791, MedGen C1838647, MONDO:0010818, OMIM 600105.

Allele frequency attached by ClinVar (database versions not stated): gnomAD exomes below 0.00001.
gnomAD v4.1: 2 of 1,614,228 alleles (0.00012%); highest among the groups gnomAD compares: Admixed American, 0.0033%; no homozygotes.

Submission:

Labcorp Genetics (formerly Invitae), Labcorp
Classification: Uncertain significance for Leber congenital amaurosis 8; Retinitis pigmentosa 12. Last evaluated: 2023-07-10. Review status: criteria provided, single submitter. Criteria: Invitae Variant Classification Sherloc (09022015). Collection method: clinical testing. Allele origin: germline.
Comment: In summary, the available evidence is currently insufficient to determine the role of this variant in disease. Therefore, it has been classified as a Variant of Uncertain Significance. Advanced modeling of protein sequence and biophysical properties (such as structural, functional, and spatial information, amino acid conservation, physicochemical variation, residue mobility, and thermodynamic stability) performed at Invitae indicates that this missense variant is expected to disrupt CRB1 protein function. ClinVar contains an entry for this variant (Variation ID: 2046906). This variant has not been reported in the literature in individuals affected with CRB1-related conditions. This variant is not present in population databases (gnomAD no frequency). This sequence change replaces glycine, which is neutral and non-polar, with serine, which is neutral and polar, at codon 492 of the CRB1 protein (p.Gly492Ser).